The following is an entry in ClinVar:

NM_201384.3(PLEC):c.9311G>A (p.Gly3104Glu)

Gene: PLEC (plectin; minus strand). Cytogenetic location: 8q24.3.
Variant type: single nucleotide variant.
Coding change: c.9311G>A on transcript NM_201384.3 (MANE Select); coding-DNA position 9311, G replaced by A.
Protein change: p.Gly3104Glu; replaces glycine 3104 with glutamic acid.
Molecular consequence: missense variant.
Genome position (GRCh38, 1-based): chr8:143,920,510, C>T on the plus strand (G>A on the coding strand, the complement: PLEC is on the minus strand). VCF-style: chr8-143920510-C-T. GRCh37 (hg19) VCF-style: chr8-144994678-C-T.
Other names: c.9392G>A, p.Gly3131Glu (NM_000445.5); c.6011G>A, p.Gly2004Glu (NM_001410941.1); c.9269G>A, p.Gly3090Glu (NM_201378.4); c.9245G>A, p.Gly3082Glu (NM_201379.3); c.9722G>A, p.Gly3241Glu (NM_201380.4); c.9215G>A, p.Gly3072Glu (NM_201381.3); c.9311G>A, p.Gly3104Glu (NM_201382.4); c.9323G>A, p.Gly3108Glu (NM_201383.3); short protein forms G3108E, G3131E, G3072E, G3082E, G3104E, G2004E, G3090E, G3241E.
Identifiers: ClinVar variation 1979910 (VCV001979910.4), dbSNP rs1252361592, ClinGen allele CA372510786.

ClinVar aggregate classification (germline): Uncertain significance (1 of 4 stars; one submission).

Conditions:
Epidermolysis bullosa simplex 5B, with muscular dystrophy (EBS5B). Also called: Epidermolysis bullosa simplex with muscular dystrophy; EPIDERMOLYSIS BULLOSA SIMPLEX AND LIMB-GIRDLE MUSCULAR DYSTROPHY. Identifiers: Orphanet 257, MedGen C2931072, MONDO:0009181, OMIM 226670.
Epidermolysis bullosa simplex, Ogna type (EBS5A). Also called: Pidermolysis bullosa simplex 5A, Ogna type; EPIDERMOLYSIS BULLOSA SIMPLEX 5A, OGNA TYPE. Identifiers: Orphanet 79401, MedGen C0432317, MONDO:0007555, OMIM 131950.
Epidermolysis bullosa simplex 5C, with pyloric atresia (EBS5C). Also called: Epidermolysis bullosa simplex with pyloric atresia; PLEC-Related Epidermolysis Bullosa with Pyloric Atresia; PLEC1-Related Epidermolysis Bullosa with Pyloric Atresia. Identifiers: Orphanet 158684, MedGen C2677349, MONDO:0012807, OMIM 612138.
Autosomal recessive limb-girdle muscular dystrophy type 2Q (LGMDR17). Also called: MUSCULAR DYSTROPHY, LIMB-GIRDLE, AUTOSOMAL RECESSIVE 17. Identifiers: Orphanet 254361, MedGen C3150989, MONDO:0013390, OMIM 613723.
Epidermolysis bullosa simplex with nail dystrophy (EBS5D). Identifiers: MedGen C4225309, MONDO:0014661, OMIM 616487.

Allele frequency attached by ClinVar (database versions not stated): TOPMed below 0.00001; gnomAD 0.00001.
gnomAD v4.1: 3 of 1,610,680 alleles (0.00019%); highest among the groups gnomAD compares: African/African-American, 0.0027%; no homozygotes.

Submission:

Labcorp Genetics (formerly Invitae), Labcorp
Classification: Uncertain significance for Autosomal recessive limb-girdle muscular dystrophy type 2Q; Epidermolysis bullosa simplex, Ogna type; Epidermolysis bullosa simplex with nail dystrophy; Epidermolysis bullosa simplex 5C, with pyloric atresia; Epidermolysis bullosa simplex 5B, with muscular dystrophy. Last evaluated: 2022-04-29. Review status: criteria provided, single submitter. Criteria: Invitae Variant Classification Sherloc (09022015). Collection method: clinical testing. Allele origin: germline.
Comment: In summary, the available evidence is currently insufficient to determine the role of this variant in disease. Therefore, it has been classified as a Variant of Uncertain Significance. Algorithms developed to predict the effect of missense changes on protein structure and function (SIFT, PolyPhen-2, Align-GVGD) all suggest that this variant is likely to be disruptive. This variant has not been reported in the literature in individuals affected with PLEC-related conditions. This variant is present in population databases (no rsID available, gnomAD 0.004%). This sequence change replaces glycine, which is neutral and non-polar, with glutamic acid, which is acidic and polar, at codon 3131 of the PLEC protein (p.Gly3131Glu).